The following is an entry in ClinVar:

NM_000387.6(SLC25A20):c.73G>A (p.Val25Met)

Gene: SLC25A20 (solute carrier family 25 member 20; minus strand). Cytogenetic location: 3p21.31.
Variant type: single nucleotide variant.
Coding change: c.73G>A on transcript NM_000387.6 (MANE Select); coding-DNA position 73, G replaced by A.
Protein change: p.Val25Met; replaces valine 25 with methionine.
Molecular consequence: missense variant.
Genome position (GRCh38, 1-based): chr3:48,898,722, C>T on the plus strand (G>A on the coding strand, the complement: SLC25A20 is on the minus strand). VCF-style: chr3-48898722-C-T. GRCh37 (hg19) VCF-style: chr3-48936155-C-T.
Other names: short protein forms V25M.
Identifiers: ClinVar variation 1931504 (VCV001931504.3), dbSNP rs777241185, ClinGen allele CA352639149.

ClinVar aggregate classification (germline): Uncertain significance (1 of 4 stars; one submission).

Conditions:
Carnitine acylcarnitine translocase deficiency (CACTD). Identifiers: Orphanet 159, MedGen C0342791, MONDO:0008918, OMIM 212138.

Submission:

Labcorp Genetics (formerly Invitae), Labcorp
Classification: Uncertain significance for Carnitine acylcarnitine translocase deficiency. Last evaluated: 2025-09-03. Review status: criteria provided, single submitter. Criteria: Invitae Variant Classification Sherloc (09022015). Collection method: clinical testing. Allele origin: germline.
Comment: This sequence change replaces valine, which is neutral and non-polar, with methionine, which is neutral and non-polar, at codon 25 of the SLC25A20 protein (p.Val25Met). This variant is present in population databases (no rsID available, gnomAD 0.003%). This variant has not been reported in the literature in individuals affected with SLC25A20-related conditions. ClinVar contains an entry for this variant (Variation ID: 1931504). Invitae Evidence Modeling of protein sequence and biophysical properties (such as structural, functional, and spatial information, amino acid conservation, physicochemical variation, residue mobility, and thermodynamic stability) indicates that this missense variant is not expected to disrupt SLC25A20 protein function with a negative predictive value of 80%. In summary, the available evidence is currently insufficient to determine the role of this variant in disease. Therefore, it has been classified as a Variant of Uncertain Significance.